The following is an entry in ClinVar:

NM_000380.4(XPA):c.683G>A (p.Arg228Gln)

Gene: XPA (XPA, DNA damage recognition and repair factor; minus strand). Cytogenetic location: 9q22.33.
Variant type: single nucleotide variant.
Coding change: c.683G>A on transcript NM_000380.4 (MANE Select); coding-DNA position 683, G replaced by A.
Protein change: p.Arg228Gln; replaces arginine 228 with glutamine.
Molecular consequence: missense variant. On other transcripts: non-coding transcript variant (5).
Genome position (GRCh38, 1-based): chr9:97,675,578, C>T on the plus strand (G>A on the coding strand, the complement: XPA is on the minus strand). VCF-style: chr9-97675578-C-T. GRCh37 (hg19) VCF-style: chr9-100437860-C-T.
Other names: c.557G>A, p.Arg186Gln (NM_001354975.2); short protein forms R228Q, R186Q.
Identifiers: ClinVar variation 135463 (VCV000135463.13), dbSNP rs1805160, ClinGen allele CA162847.

ClinVar aggregate classification (germline): Conflicting classifications of pathogenicity. Review status: criteria provided, conflicting classifications (1 of 4 stars). 8 submissions from 8 submitters: Uncertain significance (5); Likely benign (1). 2 of the submissions do not count toward it. Last evaluated 2026-01-19.

Conditions:
Xeroderma pigmentosum (XP). Identifiers: Orphanet 910, MedGen C0043346, MONDO:0019600.
Xeroderma pigmentosum group A (XPA). Also called: Xeroderma pigmentosum, complementation group A; XP, group A; XPA-Related Xeroderma Pigmentosum. Identifiers: Orphanet 910, MedGen C0268135, MONDO:0010210, OMIM 278700.

Allele frequency attached by ClinVar (database versions not stated): ESP Exome Variant Server 0.00015; gnomAD 0.00015 and 0.00017; TOPMed 0.00015; gnomAD exomes 0.00017 and 0.00021; ExAC 0.00022.
gnomAD v4.1: 278 of 1,613,702 alleles (0.017%); highest among the groups gnomAD compares: Admixed American, 0.042%; 1 homozygote.

Submissions (8):

Women's Health and Genetics/Laboratory Corporation of America, LabCorp
Classification: Likely benign. Last evaluated: 2026-01-19. Review status: criteria provided, single submitter. Criteria: LabCorp Variant Classification Summary - May 2015. Collection method: clinical testing. Allele origin: germline.
Comment: Variant summary: XPA c.683G>A (p.Arg228Gln) results in a conservative amino acid change in the encoded protein sequence. Algorithms developed to predict the effect of missense changes on protein structure and function are either unavailable or do not agree on the potential impact of this missense change. The variant allele was found at a frequency of 0.00017 in 1613702 control chromosomes including 1 homozygote, predominantly at a frequency of 0.00042 within the Latino subpopulation in the gnomAD database. The observed variant frequency within Latino control individuals in the gnomAD database exceeds the estimated maximal expected allele frequency for disease-causing variants in XPA. To our knowledge, no occurrence of c.683G>A in individuals affected with XPA-related conditions has been reported. Two publications report conflicting experimental evidence evaluating an impact on protein function in vitro (example, Porter_2005, Mellon_2002). The following publications have been ascertained in the context of this evaluation (PMID: 16491090, 19442035, 20431719, 17884153, 23298314, 32235701, 17685459, 15661657, 24063568, 18478970, 12376498, 12509227, 24953096, 27334373, 15682379, 17825393, 15890268, 24728327, 31195348, 16613913, 29516319, 28860187, 18645534, 10862089, 22190868, 27247238, 35687855). ClinVar contains an entry for this variant (Variation ID: 135463). Based on the evidence outlined above, the variant was classified as likely benign.

Sema4
Classification: Uncertain significance for Xeroderma pigmentosum. Last evaluated: 2022-02-15. Review status: criteria provided, single submitter. Criteria: Sema4 Curation Guidelines. Collection method: curation. Allele origin: germline.
Comment: To the best of our knowledge, the XPA c.683G>A (p.R228Q) variant has not been reported in individuals with XPA-related disease. It was observed in 16/35384 chromosomes of the Latino subpopulation, with no homozygotes, in the large and broad cohorts of the Genome Aggregation Database (PMID: 32461654). The variant has been reported in ClinVar (Variation ID 135463). In silico tools suggest the impact of the variant on protein function is inconclusive. Functional studies demonstrated that this variant does not affect normal protein function (PMID: 16491090, 15661657, 12509227). The evidence is insufficient to meet ACMG/AMP criteria for classifying the variant as benign or pathogenic. Thus, the clinical significance of this variant is currently uncertain.

Fulgent Genetics
Classification: Uncertain significance for Xeroderma pigmentosum group A. Last evaluated: 2021-11-11. Review status: criteria provided, single submitter. Criteria: ACMG Guidelines, 2015. Collection method: clinical testing. Allele origin: unknown.

Institute for Clinical Genetics, University Hospital TU Dresden, University Hospital TU Dresden
Classification: Uncertain significance. Last evaluated: 2021-11-03. Review status: criteria provided, single submitter. Criteria: ACMG Guidelines, 2015. Collection method: clinical testing. Allele origin: germline.

Mayo Clinic Laboratories, Mayo Clinic
Classification: Uncertain significance. Last evaluated: 2021-10-25. Review status: criteria provided, single submitter. Criteria: ACMG Guidelines, 2015. Collection method: clinical testing. Allele origin: germline.

Baylor Genetics
Classification: Uncertain significance for Xeroderma pigmentosum group A. Last evaluated: 2021-03-03. Review status: criteria provided, single submitter. Criteria: ACMG Guidelines, 2015. Collection method: clinical testing. Allele origin: unknown. Affected: yes. Study: CSER-TexasKidsCanSeq.
Comment: This variant was determined to be of uncertain significance according to ACMG Guidelines, 2015 [PMID:25741868].

Counsyl
Classification: Uncertain significance for Xeroderma pigmentosum group A. Last evaluated: 2017-02-07. Review status: no assertion criteria provided. Collection method: clinical testing. Allele origin: unknown. Not counted in ClinVar's aggregate classification.

ITMI
No classification provided. Condition: AllHighlyPenetrant. Last evaluated: 2013-09-19. Review status: no classification provided. Collection method: reference population. Allele origin: germline. Not counted in ClinVar's aggregate classification.
Comment: Please see associated publication for description of ethnicities

Literature cited by the submitters: PubMed 24728327 (cited by Women's Health and Genetics/Laboratory Corporation of America, LabCorp and ITMI); PubMed 18478970 (cited by Women's Health and Genetics/Laboratory Corporation of America, LabCorp); PubMed 35687855 (cited by Women's Health and Genetics/Laboratory Corporation of America, LabCorp); PubMed 16491090 (cited by 3 submitters); PubMed 22190868 (cited by Women's Health and Genetics/Laboratory Corporation of America, LabCorp); PubMed 19442035 (cited by Women's Health and Genetics/Laboratory Corporation of America, LabCorp); PubMed 20431719 (cited by Women's Health and Genetics/Laboratory Corporation of America, LabCorp); PubMed 17884153 (cited by Women's Health and Genetics/Laboratory Corporation of America, LabCorp); PubMed 23298314 (cited by Women's Health and Genetics/Laboratory Corporation of America, LabCorp); PubMed 32235701 (cited by Women's Health and Genetics/Laboratory Corporation of America, LabCorp); PubMed 17685459 (cited by Women's Health and Genetics/Laboratory Corporation of America, LabCorp); PubMed 24063568 (cited by Women's Health and Genetics/Laboratory Corporation of America, LabCorp); PubMed 12376498 (cited by Women's Health and Genetics/Laboratory Corporation of America, LabCorp); PubMed 24953096 (cited by Women's Health and Genetics/Laboratory Corporation of America, LabCorp); PubMed 27247238 (cited by Women's Health and Genetics/Laboratory Corporation of America, LabCorp); PubMed 27334373 (cited by Women's Health and Genetics/Laboratory Corporation of America, LabCorp); PubMed 15682379 (cited by Women's Health and Genetics/Laboratory Corporation of America, LabCorp); PubMed 17825393 (cited by Women's Health and Genetics/Laboratory Corporation of America, LabCorp); PubMed 15890268 (cited by Women's Health and Genetics/Laboratory Corporation of America, LabCorp); PubMed 31195348 (cited by Women's Health and Genetics/Laboratory Corporation of America, LabCorp); PubMed 16613913 (cited by Women's Health and Genetics/Laboratory Corporation of America, LabCorp); PubMed 29516319 (cited by Women's Health and Genetics/Laboratory Corporation of America, LabCorp); PubMed 28860187 (cited by Women's Health and Genetics/Laboratory Corporation of America, LabCorp); PubMed 18645534 (cited by Women's Health and Genetics/Laboratory Corporation of America, LabCorp); PubMed 10862089 (cited by Women's Health and Genetics/Laboratory Corporation of America, LabCorp and Counsyl); PubMed 12509227 (cited by 3 submitters); PubMed 15661657 (cited by 3 submitters).